The following is an entry in ClinVar:

ClinVar aggregate classification (germline): Pathogenic (1 of 4 stars; one submission).

Conditions:
Glycogen storage disease, type V (GSD5). Also called: MCARDLE DISEASE; MUSCLE GLYCOGEN PHOSPHORYLASE DEFICIENCY; MYOPHOSPHORYLASE DEFICIENCY; PYGM DEFICIENCY; McArdle type glycogen storage disease. Identifiers: Orphanet 368, MedGen C0017924, MONDO:0009293, OMIM 232600.

Submission:

Labcorp Genetics (formerly Invitae), Labcorp
Classification: Pathogenic for Glycogen storage disease, type V. Last evaluated: 2022-08-09. Review status: criteria provided, single submitter. Criteria: Invitae Variant Classification Sherloc (09022015). Collection method: clinical testing. Allele origin: germline.
Comment: For these reasons, this variant has been classified as Pathogenic. ClinVar contains an entry for this variant (Variation ID: 844539). This variant has not been reported in the literature in individuals affected with PYGM-related conditions. This variant is not present in population databases (gnomAD no frequency). This sequence change creates a premature translational stop signal (p.Trp175Leufs*8) in the PYGM gene. It is expected to result in an absent or disrupted protein product. Loss-of-function variants in PYGM are known to be pathogenic (PMID: 8316268, 16786513).

Literature cited by the submitters: PubMed 8316268; PubMed 16786513.

NM_005609.4(PYGM):c.521dup (p.Trp175fs)

Gene: PYGM (glycogen phosphorylase, muscle associated; minus strand). Cytogenetic location: 11q13.1.
Variant type: Duplication.
Coding change: c.521dup on transcript NM_005609.4 (MANE Select); coding-DNA position 521, one base duplicated (G; older notation c.521dupG).
Protein change: p.Trp175fs; shifts the reading frame from tryptophan 175.
Molecular consequence: frameshift variant.
Genome position (GRCh38, 1-based): chr11:64,758,253, C duplicated on the plus strand (G on the coding strand, the reverse complement: PYGM is on the minus strand); the first of 5 consecutive C bases (chr11:64,758,253-64,758,257); duplicating any one gives the same sequence. VCF-style (leftmost placement, unchanged base first): chr11-64758252-G-GC. GRCh37 (hg19) VCF-style: chr11-64525724-G-GC.
Other names: c.257dup, p.Trp87fs (NM_001164716.1); short protein forms W87fs, W175fs.
Identifiers: ClinVar variation 844539 (VCV000844539.9), dbSNP rs2058407169, ClinGen allele CA916083247.